The following is an entry in ClinVar:

NM_005198.5(CHKB):c.385C>T (p.Arg129Trp)

Genes: CHKB (choline kinase beta; minus strand), CHKB-CPT1B (CHKB-CPT1B readthrough (NMD candidate); minus strand). Cytogenetic location: 22q13.33.
Variant type: single nucleotide variant.
Coding change: c.385C>T on transcript NM_005198.5 (MANE Select); coding-DNA position 385, C replaced by T.
Protein change: p.Arg129Trp; replaces arginine 129 with tryptophan.
Molecular consequence: missense variant. On other transcripts: non-coding transcript variant (1).
Genome position (GRCh38, 1-based): chr22:50,581,811, G>A on the plus strand (C>T on the coding strand, the complement: CHKB is on the minus strand). VCF-style: chr22-50581811-G-A. GRCh37 (hg19) VCF-style: chr22-51020240-G-A.
Other names: short protein forms R129W.
Identifiers: ClinVar variation 1494147 (VCV001494147.6), dbSNP rs767938046, ClinGen allele CA10323791.

ClinVar aggregate classification (germline): Uncertain significance (1 of 4 stars; one submission).

Conditions:
Megaconial type congenital muscular dystrophy (MDCMC). Also called: CHKB-Related Muscle Diseases; CHKB-Related Muscular Dystrophy; MUSCULAR DYSTROPHY, CONGENITAL, WITH MITOCHONDRIAL STRUCTURAL ABNORMALITIES. Identifiers: Orphanet 280671, MedGen C1865233, MONDO:0011246, OMIM 602541.

Allele frequency attached by ClinVar (database versions not stated): gnomAD exomes 0.00001 and 0.00002; ExAC 0.00002.
gnomAD v4.1: 4 of 1,613,864 alleles (0.00025%); highest among the groups gnomAD compares: Non-Finnish European, 0.00025%; no homozygotes.

Submission:

Labcorp Genetics (formerly Invitae), Labcorp
Classification: Uncertain significance for Megaconial type congenital muscular dystrophy. Last evaluated: 2025-10-01. Review status: criteria provided, single submitter. Criteria: Invitae Variant Classification Sherloc (09022015). Collection method: clinical testing. Allele origin: germline.
Comment: This sequence change replaces arginine, which is basic and polar, with tryptophan, which is neutral and slightly polar, at codon 129 of the CHKB protein (p.Arg129Trp). This variant is present in population databases (rs767938046, gnomAD 0.004%). This variant has not been reported in the literature in individuals affected with CHKB-related conditions. ClinVar contains an entry for this variant (Variation ID: 1494147). Invitae Evidence Modeling of protein sequence and biophysical properties (such as structural, functional, and spatial information, amino acid conservation, physicochemical variation, residue mobility, and thermodynamic stability) indicates that this missense variant is expected to disrupt CHKB protein function with a positive predictive value of 80%. In summary, the available evidence is currently insufficient to determine the role of this variant in disease. Therefore, it has been classified as a Variant of Uncertain Significance.